The following is an entry in ClinVar:

ClinVar aggregate classification (germline): Conflicting classifications of pathogenicity. Review status: criteria provided, conflicting classifications (1 of 4 stars). 4 submissions from 4 submitters: Uncertain significance (1); Benign (1); Likely benign (1). 1 of the submissions does not count toward it. Last evaluated 2026-08-01.

Conditions:
GGCX-related disorder. Also called: GGCX-related condition; GGCX - Related Disorders.
Vitamin K-dependent clotting factors, combined deficiency of, type 1. Also called: FACTORS II, VII, IX, AND X, COMBINED DEFICIENCY OF; FAMILIAL MULTIPLE COAGULATION FACTOR DEFICIENCY III; FMFD III; GLUTAMIC ACID, DEFICIENT GAMMA-CARBOXYLATION OF; MULTIPLE COAGULATION FACTOR DEFICIENCY III; VITAMIN K-DEPENDENT COAGULATION DEFECT. Identifiers: Orphanet 98434, MedGen C1848534, MONDO:0010187, OMIM 277450.

Allele frequency attached by ClinVar (database versions not stated): TOPMed 0.00062; gnomAD exomes 0.00065 and 0.00103; gnomAD 0.00068 and 0.00070; ESP Exome Variant Server 0.00085; ExAC 0.00102.
gnomAD v4.1: 1,082 of 1,613,802 alleles (0.067%); highest among the groups gnomAD compares: Non-Finnish European, 0.044%; 6 homozygotes.

Submissions (4):

CeGaT Center for Human Genetics Tuebingen
Classification: Likely benign. Last evaluated: 2026-08-01. Review status: criteria provided, single submitter. Criteria: CeGaT Center For Human Genetics Tuebingen Variant Classification Criteria Version 2. Collection method: clinical testing. Allele origin: germline. Affected: yes. Observed: 1 variant allele.
Comment: GGCX: BS2

Labcorp Genetics (formerly Invitae), Labcorp
Classification: Benign. Last evaluated: 2026-01-13. Review status: criteria provided, single submitter. Criteria: Invitae Variant Classification Sherloc (09022015). Collection method: clinical testing. Allele origin: germline.

Illumina Laboratory Services, Illumina
Classification: Uncertain significance for Vitamin K-dependent clotting factors, combined deficiency of, type 1. Last evaluated: 2018-01-12. Review status: criteria provided, single submitter. Criteria: ICSL Variant Classification Criteria 13 December 2019. Collection method: clinical testing. Allele origin: germline.

PreventionGenetics, part of Exact Sciences
Classification: Likely benign for GGCX-related condition. Last evaluated: 2023-02-15. Review status: no assertion criteria provided. Collection method: clinical testing. Allele origin: germline. Not counted in ClinVar's aggregate classification.
Comment: This variant is classified as likely benign based on ACMG/AMP sequence variant interpretation guidelines (Richards et al. 2015 PMID: 25741868, with internal and published modifications).

NM_000821.7(GGCX):c.529A>G (p.Asn177Asp)

Gene: GGCX (gamma-glutamyl carboxylase; minus strand). Cytogenetic location: 2p11.2.
Variant type: single nucleotide variant.
Coding change: c.529A>G on transcript NM_000821.7 (MANE Select); coding-DNA position 529, A replaced by G.
Protein change: p.Asn177Asp; replaces asparagine 177 with aspartic acid.
Molecular consequence: missense variant.
Genome position (GRCh38, 1-based): chr2:85,558,450, T>C on the plus strand (A>G on the coding strand, the complement: GGCX is on the minus strand). VCF-style: chr2-85558450-T-C. GRCh37 (hg19) VCF-style: chr2-85785573-T-C.
Other names: c.358A>G, p.Asn120Asp (NM_001142269.4); short protein forms N177D, N120D.
Identifiers: ClinVar variation 337273 (VCV000337273.17), dbSNP rs149039591, ClinGen allele CA1742108.